The following is an entry in ClinVar:

ClinVar aggregate classification (germline): Uncertain significance (1 of 4 stars; one submission).

Allele frequency attached by ClinVar (database versions not stated): ExAC 0.00002.

Submissions (2):

Ambry Genetics
Classification: Uncertain significance. Last evaluated: 2022-11-30. Review status: criteria provided, single submitter. Criteria: Ambry Variant Classification Scheme 2023. Collection method: clinical testing. Allele origin: germline.
Comment: The p.G954V variant (also known as c.2861G>T), located in coding exon 25 of the PRKDC gene, results from a G to T substitution at nucleotide position 2861. The glycine at codon 954 is replaced by valine, an amino acid with dissimilar properties. This amino acid position is conserved. In addition, this alteration is predicted to be tolerated by in silico analysis. Since supporting evidence is limited at this time, the clinical significance of this alteration remains unclear.

Dr. Peter K. Rogan Lab, Western University
No classification provided (evidence only). Condition: Melanoma. Review status: no classification provided. Collection method: in vitro. Allele origin: not applicable. Functional consequence: retained intron. Not counted in ClinVar's aggregate classification.

NM_006904.7(PRKDC):c.2861G>T (p.Gly954Val)

Gene: PRKDC (protein kinase, DNA-activated, catalytic subunit; minus strand). Cytogenetic location: 8q11.21.
Variant type: single nucleotide variant.
Coding change: c.2861G>T on transcript NM_006904.7 (MANE Select); coding-DNA position 2861, G replaced by T.
Protein change: p.Gly954Val; replaces glycine 954 with valine.
Molecular consequence: missense variant.
Genome position (GRCh38, 1-based): chr8:47,912,483, C>A on the plus strand (G>T on the coding strand, the complement: PRKDC is on the minus strand). VCF-style: chr8-47912483-C-A. GRCh37 (hg19) VCF-style: chr8-48825043-C-A.
Other names: NC_000008.10:g.48825043C>A; c.2861G>T, p.Gly954Val (NM_001081640.2); short protein forms G954V.
Identifiers: ClinVar variation 2449829 (VCV002449829.3), dbSNP rs747457491, ClinGen allele CA4741348.
Genomic context (GRCh38, chr8:47,912,483, plus strand): 5'-CACGCAAGTCGAAGCAGCACAGGAAACGTCCGCTTATAGAGCTGGTACATGGGTGGGGCT[C>A]CCTGTCCCCCTTCTGGCATCTGCGTGGCTTTGCCCAACATAAACATAACCATGCTATGTA-3'
Protein context (NP_008835.5, residues 944-964): KATQMPEGGQ[Gly954Val]APPMYQLYKR